The following is an entry in ClinVar:

NM_015450.3(POT1):c.256-3T>C

Gene: POT1 (protection of telomeres 1; minus strand). Cytogenetic location: 7q31.33.
Variant type: single nucleotide variant.
Coding change: c.256-3T>C on transcript NM_015450.3 (MANE Select); 3 bases into the intron before coding-DNA position 256, T replaced by C.
Molecular consequence: intron variant.
Genome position (GRCh38, 1-based): chr7:124,863,643, A>G on the plus strand (T>C on the coding strand, the complement: POT1 is on the minus strand). VCF-style: chr7-124863643-A-G. GRCh37 (hg19) VCF-style: chr7-124503697-A-G.
Other names: c.-138-3T>C (NM_001042594.2).
Identifiers: ClinVar variation 821491 (VCV000821491.10), dbSNP rs760801846, ClinGen allele CA4465467.

ClinVar aggregate classification (germline): Conflicting classifications of pathogenicity. Review status: criteria provided, conflicting classifications (1 of 4 stars). 2 submissions from 2 submitters: Uncertain significance (1); Likely benign (1). Last evaluated 2026-02-10.

Conditions:
Tumor predisposition syndrome 3 (TPDS3). Also called: Glioma susceptibility 9; LONG TELOMERE SYNDROME, POT1-RELATED; POT1 Tumor Predisposition; Melanoma, cutaneous malignant, susceptibility to, 10. Identifiers: Orphanet 618, MedGen C4014476, MONDO:0014368, OMIM 615848.
Hereditary cancer-predisposing syndrome. Also called: Tumor predisposition; Hereditary Cancer Syndrome; Hereditary neoplastic syndrome; Neoplastic Syndromes, Hereditary. Identifiers: Orphanet 140162, MedGen C0027672, MeSH D009386, MONDO:0015356.

Allele frequency attached by ClinVar (database versions not stated): gnomAD exomes below 0.00001; ExAC 0.00001.
gnomAD v4.1: 1 of 1,602,962 alleles (0.000062%); no homozygotes.

Submissions (2):

Ambry Genetics
Classification: Uncertain significance for Hereditary cancer-predisposing syndrome. Last evaluated: 2026-02-10. Review status: criteria provided, single submitter. Criteria: Ambry Variant Classification Scheme 2023. Collection method: clinical testing. Allele origin: germline.
Comment: The c.256-3T>C intronic variant results from a T to C substitution 3 nucleotides upstream from coding exon 4 in the POT1 gene. This nucleotide position is well conserved in available vertebrate species. In silico splice site analysis predicts that this alteration will not have any significant effect on splicing. Based on the available evidence, the clinical significance of this variant remains unclear.

Labcorp Genetics (formerly Invitae), Labcorp
Classification: Likely benign for Tumor predisposition syndrome 3. Last evaluated: 2023-08-19. Review status: criteria provided, single submitter. Criteria: Invitae Variant Classification Sherloc (09022015). Collection method: clinical testing. Allele origin: germline.